The following is an entry in ClinVar:

NM_006623.4(PHGDH):c.118_119delinsTT (p.Glu40Leu)

Gene: PHGDH (phosphoglycerate dehydrogenase; plus strand). Cytogenetic location: 1p12.
Variant type: Indel.
Coding change: c.118_119delinsTT on transcript NM_006623.4 (MANE Select); coding-DNA positions 118 to 119, GA replaced by TT.
Protein change: p.Glu40Leu; replaces glutamic acid 40 with leucine.
Molecular consequence: missense variant.
Genome position (GRCh38, 1-based): chr1:119,712,140-119,712,141, GA replaced by TT. VCF-style: chr1-119712140-GA-TT. GRCh37 (hg19) VCF-style: chr1-120254763-GA-TT.
Other names: short protein forms E40L.
Identifiers: ClinVar variation 1463379 (VCV001463379.4), dbSNP rs2101136638, ClinGen allele CA2573130988.
Genomic context (GRCh38, chr1:119,712,140, plus strand): 5'-CGGAAGATCTTGCAAGATGGAGGGCTGCAGGTGGTGGAAAAGCAGAACCTTAGCAAAGAG[GA>TT]GCTGATAGCGGAGCTGCAGGTAAGGCGAGAGAGAGAAAATTGAGGTCTCTAGGGCAACCT-3'
Protein context (NP_006614.2, residues 30-50): VVEKQNLSKE[Glu40Leu]LIAELQDCEG

ClinVar aggregate classification (germline): Uncertain significance (1 of 4 stars; one submission).

Conditions:
PHGDH deficiency. Identifiers: Orphanet 79351, MedGen C1866174, MONDO:0011152, OMIM 601815.

Submission:

Labcorp Genetics (formerly Invitae), Labcorp
Classification: Uncertain significance for PHGDH deficiency. Last evaluated: 2021-06-18. Review status: criteria provided, single submitter. Criteria: Invitae Variant Classification Sherloc (09022015). Collection method: clinical testing. Allele origin: germline.
Comment: This sequence change replaces glutamic acid with leucine at codon 40 of the PHGDH protein (p.Glu40Leu). The glutamic acid residue is moderately conserved and there is a moderate physicochemical difference between glutamic acid and leucine. The frequency data for this variant in the population databases is not available, as this variant may be reported as separate entries in the ExAC database. This variant has not been reported in the literature in individuals with PHGDH-related conditions. Algorithms developed to predict the effect of missense changes on protein structure and function are either unavailable or do not agree on the potential impact of this missense change (SIFT: "Not Available"; PolyPhen-2: "Benign"; Align-GVGD: "Not Available"). In summary, the available evidence is currently insufficient to determine the role of this variant in disease. Therefore, it has been classified as a Variant of Uncertain Significance.